The following is an entry in ClinVar:

NM_001330260.2(SCN8A):c.2354T>C (p.Leu785Ser)

Gene: SCN8A (sodium voltage-gated channel alpha subunit 8; plus strand). Cytogenetic location: 12q13.13.
Variant type: single nucleotide variant.
Coding change: c.2354T>C on transcript NM_001330260.2 (MANE Select); coding-DNA position 2354, T replaced by C.
Protein change: p.Leu785Ser; replaces leucine 785 with serine.
Molecular consequence: missense variant.
Genome position (GRCh38, 1-based): chr12:51,751,577, T>C. VCF-style: chr12-51751577-T-C. GRCh37 (hg19) VCF-style: chr12-52145361-T-C.
Other names: c.2354T>C, p.Leu785Ser (NM_001177984.3, NM_001369788.1, NM_014191.4); short protein forms L785S.
Identifiers: ClinVar variation 4536544 (VCV004536544.2).
Genomic context (GRCh38, chr12:51,751,577, plus strand): 5'-TGAATACACTGTTTATGGCAATGGAGCACCATCCTATGACACCACAATTTGAACATGTCT[T>C]GGCTGTAGGAAATCTGGTAAGATGGAACACTGTCTCCCGATATTAGGATTGGAATGTGTT-3'
Protein context (NP_001317189.1, residues 775-795): HPMTPQFEHV[Leu785Ser]AVGNLVFTGI

ClinVar aggregate classification (germline): Uncertain significance. Review status: criteria provided, multiple submitters, no conflicts (2 of 4 stars). 2 submissions from 2 submitters: Uncertain significance (2). Last evaluated 2025-06-05.

Conditions:
Early-infantile DEE. Also called: Early infantile epileptic encephalopathy; Early infantile epileptic encephalopathy with suppression bursts; Ohtahara syndrome. Identifiers: Orphanet 1934, MedGen C0393706, MONDO:0800491.

Submissions (2):

GeneDx
Classification: Uncertain significance. Last evaluated: 2025-06-05. Review status: criteria provided, single submitter. Criteria: GeneDx Variant Classification Process June 2021. Collection method: clinical testing. Allele origin: germline. Affected: yes.
Comment: Not observed at significant frequency in large population cohorts (gnomAD); In silico analysis supports that this missense variant has a deleterious effect on protein structure/function; This substitution is predicted to be within the transmembrane segment S2 of the second homologous domain; Has not been previously published as pathogenic or benign to our knowledge

Labcorp Genetics (formerly Invitae), Labcorp
Classification: Uncertain significance for Early-infantile DEE. Last evaluated: 2025-05-09. Review status: criteria provided, single submitter. Criteria: Invitae Variant Classification Sherloc (09022015). Collection method: clinical testing. Allele origin: germline.
Comment: This sequence change replaces leucine, which is neutral and non-polar, with serine, which is neutral and polar, at codon 785 of the SCN8A protein (p.Leu785Ser). This variant is not present in population databases (gnomAD no frequency). This variant has not been reported in the literature in individuals affected with SCN8A-related conditions. Invitae Evidence Modeling of protein sequence and biophysical properties (such as structural, functional, and spatial information, amino acid conservation, physicochemical variation, residue mobility, and thermodynamic stability) indicates that this missense variant is expected to disrupt SCN8A protein function with a positive predictive value of 95%. In summary, the available evidence is currently insufficient to determine the role of this variant in disease. Therefore, it has been classified as a Variant of Uncertain Significance.